The following is an entry in ClinVar:

ClinVar aggregate classification (germline): Uncertain significance. Review status: criteria provided, single submitter (1 of 4 stars). 2 submissions from 2 submitters: Uncertain significance (1). 1 of the submissions does not count toward it. Last evaluated 2024-08-04.

Conditions:
Cystic fibrosis (CF). Also called: MUCOVISCIDOSIS. Identifiers: Orphanet 586, MedGen C0010674, MONDO:0009061, OMIM 219700. Disease mechanism: loss of function.

Submissions (2):

Ambry Genetics
Classification: Uncertain significance for Cystic fibrosis. Last evaluated: 2024-08-04. Review status: criteria provided, single submitter. Criteria: Ambry Variant Classification Scheme 2023. Collection method: clinical testing. Allele origin: germline.
Comment: The p.L475R variant (also known as c.1424T>G), located in coding exon 11 of the CFTR gene, results from a T to G substitution at nucleotide position 1424. The leucine at codon 475 is replaced by arginine, an amino acid with dissimilar properties. This amino acid position is conserved. In addition, this alteration is predicted to be deleterious by in silico analysis. Based on the available evidence, the clinical significance of this variant remains unclear.

Dr Mariam's Lab, University of the Punjab
Classification: Likely pathogenic for Cystic fibrosis. Review status: no assertion criteria provided. Collection method: case-control. Allele origin: germline. Affected: yes. Not counted in ClinVar's aggregate classification.

NM_000492.4(CFTR):c.1424T>G (p.Leu475Arg)

Genes: CFTR (CF transmembrane conductance regulator; plus strand), CFTR-AS1 (CFTR antisense RNA 1; minus strand). Cytogenetic location: 7q31.2.
Variant type: single nucleotide variant.
Coding change: c.1424T>G on transcript NM_000492.4 (MANE Select); coding-DNA position 1424, T replaced by G.
Protein change: p.Leu475Arg; replaces leucine 475 with arginine.
Molecular consequence: missense variant.
Genome position (GRCh38, 1-based): chr7:117,559,495, T>G. VCF-style: chr7-117559495-T-G. GRCh37 (hg19) VCF-style: chr7-117199549-T-G.
Other names: short protein forms L475R.
Identifiers: ClinVar variation 3336639 (VCV003336639.2).